The following is an entry in ClinVar:

NM_002546.4(TNFRSF11B):c.25_28dup (p.Val10fs)

Gene: TNFRSF11B (TNF receptor superfamily member 11b; minus strand). Cytogenetic location: 8q24.12.
Variant type: Duplication.
Coding change: c.25_28dup on transcript NM_002546.4 (MANE Select); coding-DNA positions 25 to 28, 4 bases duplicated (CTCG; older notation c.25_28dupCTCG).
Protein change: p.Val10fs; shifts the reading frame from valine 10.
Molecular consequence: frameshift variant.
Genome position (GRCh38, 1-based): chr8:118,951,794-118,951,797, CGAG duplicated on the plus strand (CTCG on the coding strand, the reverse complement: TNFRSF11B is on the minus strand); duplicating any 4 consecutive bases within chr8:118,951,794-118,951,799 gives the same sequence; the c. name uses the placement nearest the transcript's 3' end. VCF-style (leftmost placement, unchanged base first): chr8-118951793-A-ACGAG. GRCh37 (hg19) VCF-style: chr8-119964032-A-ACGAG.
Other names: short protein forms V10fs.
Identifiers: ClinVar variation 2136706 (VCV002136706.4), dbSNP rs1292670477, ClinGen allele CA584552103.

ClinVar aggregate classification (germline): Pathogenic (1 of 4 stars; one submission).

Submission:

Labcorp Genetics (formerly Invitae), Labcorp
Classification: Pathogenic. Last evaluated: 2022-06-09. Review status: criteria provided, single submitter. Criteria: Invitae Variant Classification Sherloc (09022015). Collection method: clinical testing. Allele origin: germline.
Comment: For these reasons, this variant has been classified as Pathogenic. This premature translational stop signal has been observed in individual(s) with Paget disease (PMID: 27809640). This variant is present in population databases (no rsID available, gnomAD 0.001%). This sequence change creates a premature translational stop signal (p.Val10Alafs*9) in the TNFRSF11B gene. It is expected to result in an absent or disrupted protein product. Loss-of-function variants in TNFRSF11B are known to be pathogenic (PMID: 9647741, 26762549).

Literature cited by the submitters: PubMed 27809640; PubMed 9647741; PubMed 26762549.